The following is an entry in ClinVar:

NM_001011548.1(MAGEA4):c.789C>T (p.Pro263=)

Gene: MAGEA4 (MAGE family member A4; plus strand). Cytogenetic location: Xq28.
Variant type: single nucleotide variant.
Coding change: c.789C>T on transcript NM_001011548.1 (MANE Select); coding-DNA position 789, C replaced by T.
Protein change: p.Pro263=; no amino-acid change (proline 263 retained).
Molecular consequence: synonymous variant.
Genome position (GRCh38, 1-based): chrX:151,924,453, C>T. VCF-style: chrX-151924453-C-T. GRCh37 (hg19) VCF-style: chrX-151092925-C-T.
Other names: c.789C>T, p.Pro263= (NM_001011549.1, NM_001011550.1, NM_001386196.1 and 8 more transcripts).
Identifiers: ClinVar variation 2661658 (VCV002661658.24), dbSNP rs199984362, ClinGen allele CA10542262.

ClinVar aggregate classification (germline): Likely benign (1 of 4 stars; one submission).

Allele frequency attached by ClinVar (database versions not stated): TOPMed 0.00002; gnomAD 0.00003; ExAC 0.00009.
gnomAD v4.1: 41 of 1,209,975 alleles (0.0034%); highest among the groups gnomAD compares: Admixed American, 0.022%; no homozygotes.

Submission:

CeGaT Center for Human Genetics Tuebingen
Classification: Likely benign. Last evaluated: 2023-03-01. Review status: criteria provided, single submitter. Criteria: CeGaT Center For Human Genetics Tuebingen Variant Classification Criteria Version 2. Collection method: clinical testing. Allele origin: germline. Affected: yes. Observed: 1 variant allele.
Comment: MAGEA4: BP4, BP7, BS2